The following is an entry in ClinVar:

NM_000638.4(VTN):c.377A>T (p.Glu126Val)

Gene: VTN (vitronectin; minus strand). Cytogenetic location: 17q11.2.
Variant type: single nucleotide variant.
Coding change: c.377A>T on transcript NM_000638.4 (MANE Select); coding-DNA position 377, A replaced by T.
Protein change: p.Glu126Val; replaces glutamic acid 126 with valine.
Molecular consequence: missense variant.
Genome position (GRCh38, 1-based): chr17:28,369,659, T>A on the plus strand (A>T on the coding strand, the complement: VTN is on the minus strand). VCF-style: chr17-28369659-T-A. GRCh37 (hg19) VCF-style: chr17-26696680-T-A.
Other names: short protein forms E126V.
Identifiers: ClinVar variation 723634 (VCV000723634.32), dbSNP rs112887300, ClinGen allele CA8457667.
Genomic context (GRCh38, chr17:28,369,659, plus strand): 5'-CTCCCTGGATGAAGGGTCTCAGGCCTTGAGTCTATCCCCTCAGGCTTAGAGGCGCCCACC[T>A]CAGGCGCAGGGGCCTCTTCCTCAGGTTTCAGAACAGGTGTCTGCTCAGGATTCCCTTTGG-3'
Protein context (NP_000629.3, residues 116-136): LKPEEEAPAP[Glu126Val]VGASKPEGID

ClinVar aggregate classification (germline): Conflicting classifications of pathogenicity. Review status: criteria provided, conflicting classifications (1 of 4 stars). 5 submissions from 5 submitters: Uncertain significance (1); Benign (2); Likely benign (1). 1 of the submissions does not count toward it. Last evaluated 2025-03-04.

Conditions:
VTN-related disorder. Also called: VTN-related condition.

Allele frequency attached by ClinVar (database versions not stated): ESP Exome Variant Server 0.00446; gnomAD 0.00458 and 0.00430; ExAC 0.00481; gnomAD exomes 0.00484 and 0.00561; 1000 Genomes Project 0.00240; 1000 Genomes Project 30x 0.00265; TOPMed 0.00322.

Submissions (5):

Center for Genomic Medicine, Rigshospitalet, Copenhagen University Hospital
Classification: Uncertain significance. Last evaluated: 2025-03-04. Review status: criteria provided, single submitter. Criteria: ACMG Guidelines, 2015. Collection method: clinical testing. Allele origin: germline.

CeGaT Center for Human Genetics Tuebingen
Classification: Likely benign. Last evaluated: 2023-03-01. Review status: criteria provided, single submitter. Criteria: CeGaT Center For Human Genetics Tuebingen Variant Classification Criteria Version 2. Collection method: clinical testing. Allele origin: germline. Affected: yes. Observed: 1 variant allele.
Comment: VTN: BP4, BS2

Labcorp Genetics (formerly Invitae), Labcorp
Classification: Benign. Last evaluated: 2019-12-31. Review status: criteria provided, single submitter. Criteria: Invitae Variant Classification Sherloc (09022015). Collection method: clinical testing. Allele origin: germline.

Breakthrough Genomics
Classification: Benign. Review status: criteria provided, single submitter. Criteria: ACMG Guidelines, 2015. Collection method: not provided. Allele origin: germline. Inheritance: Unknown mechanism. Affected: yes.

PreventionGenetics, part of Exact Sciences
Classification: Benign for VTN-related condition. Last evaluated: 2019-12-16. Review status: no assertion criteria provided. Collection method: clinical testing. Allele origin: germline. Not counted in ClinVar's aggregate classification.
Comment: This variant is classified as benign based on ACMG/AMP sequence variant interpretation guidelines (Richards et al. 2015 PMID: 25741868, with internal and published modifications).